The following is an entry in ClinVar:

NM_001370100.5(ZMYND11):c.1024_1045dup (p.Glu349delinsGlyLeuGluLysGlyLeuTer)

Gene: ZMYND11 (zinc finger MYND-type containing 11; plus strand). Cytogenetic location: 10p15.3.
Variant type: Duplication.
Coding change: c.1024_1045dup on transcript NM_001370100.5 (MANE Select); coding-DNA positions 1024 to 1045, 22 bases duplicated (GGTTGGAAAAAGGCCTGTGATG).
Protein change: p.Glu349delinsGlyLeuGluLysGlyLeuTer.
Molecular consequence: nonsense. On other transcripts: non-coding transcript variant (1).
Genome position (GRCh38, 1-based): chr10:246,839-246,860, GGTTGGAAAAAGGCCTGTGATG duplicated; duplicating any 22 consecutive bases within chr10:246,836-246,860 gives the same sequence; the c. name uses the placement nearest the transcript's 3' end. VCF-style (leftmost placement, unchanged base first): chr10-246835-T-TATGGGTTGGAAAAAGGCCTGTG. GRCh37 (hg19) VCF-style: chr10-292775-T-TATGGGTTGGAAAAAGGCCTGTG.
Other names: c.862_883dup, p.Glu295delinsGlyLeuGluLysGlyLeuTer (NM_001370106.2, NM_001370107.2, NM_001370108.2 and 6 more transcripts); c.769_790dup, p.Glu264delinsGlyLeuGluLysGlyLeuTer (NM_001370110.2, NM_001202465.3); c.859_880dup, p.Glu294delinsGlyLeuGluLysGlyLeuTer (NM_001370111.2, NM_001202466.3); c.973_994dup, p.Glu332delinsGlyLeuGluLysGlyLeuTer (NM_001370112.2, NM_001330057.3); c.1024_1045dup, p.Glu349delinsGlyLeuGluLysGlyLeuTer (NM_001202468.1, NM_001370097.3, NM_001370098.2 and 5 more transcripts); c.931_952dup, p.Glu318delinsGlyLeuGluLysGlyLeuTer (NM_001370113.2, NM_001370114.2); c.1021_1042dup, p.Glu348delinsGlyLeuGluLysGlyLeuTer (NM_001370115.2, NM_212479.4); c.958_979dup, p.Glu327delinsGlyLeuGluLysGlyLeuTer (NM_001370116.2); and 7 more.
Identifiers: ClinVar variation 3660977 (VCV003660977.2).
Genomic context (GRCh38, chr10:246,835, plus strand): 5'-TCCTTCTGAAAACATTCAAGATATCACAGTCAACATTCATCGGCTGCACGTGAAGCGCAG[T>TATGGGTTGGAAAAAGGCCTGTG]ATGGGTTGGAAAAAGGCCTGTGATGAGCTGGAGCTGCATCAGCGTTTCCTACGAGAAGGG-3'

ClinVar aggregate classification (germline): Pathogenic (1 of 4 stars; one submission).

Submission:

Labcorp Genetics (formerly Invitae), Labcorp
Classification: Pathogenic. Last evaluated: 2024-08-05. Review status: criteria provided, single submitter. Criteria: Invitae Variant Classification Sherloc (09022015). Collection method: clinical testing. Allele origin: germline.
Comment: This sequence change creates a premature translational stop signal (p.Glu349Glyfs*7) in the ZMYND11 gene. It is expected to result in an absent or disrupted protein product. Loss-of-function variants in ZMYND11 are known to be pathogenic (PMID: 25217958). This variant is not present in population databases (gnomAD no frequency). This variant has not been reported in the literature in individuals affected with ZMYND11-related conditions. For these reasons, this variant has been classified as Pathogenic.

Literature cited by the submitters: PubMed 25217958.